The following is an entry in ClinVar:

ClinVar aggregate classification (germline): Likely pathogenic. Review status: reviewed by expert panel (3 of 4 stars). 6 submissions from 6 submitters: Likely pathogenic (1). 5 of the submissions do not count toward it. Last evaluated 2021-07-17.

Conditions:
Phenylketonuria (PKU). Also called: Phenylketonuria (PKU); FOLLING DISEASE; OLIGOPHRENIA PHENYLPYRUVICA; Phenylketonurias. Identifiers: Orphanet 716, MedGen C0031485, MONDO:0009861, OMIM 261600. Disease mechanism: loss of function.

Allele frequency attached by ClinVar (database versions not stated): gnomAD exomes 0.00001.
gnomAD v4.1: 4 of 1,614,178 alleles (0.00025%); highest among the groups gnomAD compares: Non-Finnish European, 0.00034%; no homozygotes.

Submissions (6):

ClinGen PAH Variant Curation Expert Panel
Classification: Likely pathogenic for Phenylketonuria. Last evaluated: 2021-07-17. Review status: reviewed by expert panel. Criteria: ClinGen PAH ACMG Specifications v1. Collection method: curation. Allele origin: germline. Inheritance: Autosomal recessive inheritance.
Comment: The c.635T>C (p.Leu212Pro) variant in PAH has been reported in multiple individuals with PAH deficiency (PMID: 9781015) detected with pathogenic variants: p.R408W (PMID: 17502162); p.R158Q (PMID: 23430918); c.1066-11G>A (PMID: 26666653). This variant is absent in population databases. In vitro residual activity of the p.L212P mutant enzyme is 17% of wild type, and it also showed reduced protein expression. Computational prediction tools and conservation analysis support a deleterious effect on the protein. In summary, this variant meets criteria to be classified as likely pathogenic for PAH. PAH-specific ACMG/AMP criteria applied: PS3_supporting, PM2, PM3, PP3, PP4.

Baylor Genetics
Classification: Likely pathogenic for Phenylketonuria. Last evaluated: 2023-06-21. Review status: criteria provided, single submitter. Criteria: ACMG Guidelines, 2015. Collection method: clinical testing. Allele origin: unknown. Not counted in ClinVar's aggregate classification.

Women's Health and Genetics/Laboratory Corporation of America, LabCorp
Classification: Pathogenic for Phenylketonuria. Last evaluated: 2023-05-28. Review status: criteria provided, single submitter. Criteria: LabCorp Variant Classification Summary - May 2015. Collection method: clinical testing. Allele origin: germline. Not counted in ClinVar's aggregate classification.
Comment: Variant summary: PAH c.635T>C (p.Leu212Pro) results in a non-conservative amino acid change located in the Aromatic amino acid hydroxylase, C-terminal domain (IPR019774) of the encoded protein sequence. Five of five in-silico tools predict a damaging effect of the variant on protein function. The variant was absent in 251336 control chromosomes. c.635T>C has been reported in the literature as biallelic genotypes in multiple individuals affected with Phenylalanine Hydroxylase Deficiency (Phenylketonuria) (example, Fisch_2004, Dobrowolski_2007, Sarkissian_2012, Jeannesson-Thivisol_2015, Hillert_2020). These data indicate that the variant is very likely to be associated with disease. At least one publication reports experimental evidence evaluating an impact on protein function (Trunzo_2016). The most pronounced variant effect results in 17% of normal PAH enzyme activity in vitro. The following publications have been ascertained in the context of this evaluation (PMID: 17502162, 15110327, 32668217, 26666653, 23430918, 27620137). Two clinical diagnostic laboratories and the ClinGen PAH Variant Curation Expert Panel have submitted clinical-significance assessments for this variant to ClinVar after 2014 without evidence for independent evaluation. All submitters classified the variant as pathogenic/likely pathogenic. Based on the evidence outlined above, the variant was classified as pathogenic.

Labcorp Genetics (formerly Invitae), Labcorp
Classification: Pathogenic for Phenylketonuria. Last evaluated: 2023-05-09. Review status: criteria provided, single submitter. Criteria: Invitae Variant Classification Sherloc (09022015). Collection method: clinical testing. Allele origin: germline. Not counted in ClinVar's aggregate classification.
Comment: For these reasons, this variant has been classified as Pathogenic. Experimental studies have shown that this missense change affects PAH function (PMID: 27620137). Advanced modeling of protein sequence and biophysical properties (such as structural, functional, and spatial information, amino acid conservation, physicochemical variation, residue mobility, and thermodynamic stability) performed at Invitae indicates that this missense variant is expected to disrupt PAH protein function. ClinVar contains an entry for this variant (Variation ID: 102768). This missense change has been observed in individuals with hyperphenylalaninemia (PMID: 32668217). This variant is not present in population databases (gnomAD no frequency). This sequence change replaces leucine, which is neutral and non-polar, with proline, which is neutral and non-polar, at codon 212 of the PAH protein (p.Leu212Pro).

Counsyl
Classification: Likely pathogenic for Phenylketonuria. Last evaluated: 2017-11-28. Review status: no assertion criteria provided. Collection method: clinical testing. Allele origin: unknown. Not counted in ClinVar's aggregate classification.

DeBelle Laboratory for Biochemical Genetics, MUHC/MCH RESEARCH INSTITUTE
No classification provided. Review status: no classification provided. Collection method: not provided. Allele origin: not provided. Not counted in ClinVar's aggregate classification.

Literature cited by the submitters: PubMed 27620137 (cited by 3 submitters); PubMed 9781015 (cited by ClinGen PAH Variant Curation Expert Panel and Counsyl); PubMed 17502162 (cited by Women's Health and Genetics/Laboratory Corporation of America, LabCorp and Counsyl); PubMed 26666653 (cited by Women's Health and Genetics/Laboratory Corporation of America, LabCorp and Counsyl); PubMed 23430918 (cited by Women's Health and Genetics/Laboratory Corporation of America, LabCorp and Counsyl); PubMed 32668217 (cited by Women's Health and Genetics/Laboratory Corporation of America, LabCorp and Labcorp Genetics (formerly Invitae), Labcorp); PubMed 15110327 (cited by Women's Health and Genetics/Laboratory Corporation of America, LabCorp); PubMed 10527663 (cited by Counsyl).

NM_000277.3(PAH):c.635T>C (p.Leu212Pro)

Gene: PAH (phenylalanine hydroxylase; minus strand). Cytogenetic location: 12q23.2.
Variant type: single nucleotide variant.
Coding change: c.635T>C on transcript NM_000277.3 (MANE Select); coding-DNA position 635, T replaced by C.
Protein change: p.Leu212Pro; replaces leucine 212 with proline.
Molecular consequence: missense variant.
Genome position (GRCh38, 1-based): chr12:102,855,207, A>G on the plus strand (T>C on the coding strand, the complement: PAH is on the minus strand). VCF-style: chr12-102855207-A-G. GRCh37 (hg19) VCF-style: chr12-103248985-A-G.
Other names: NM_000277.1(PAH):c.635T>C; c.635T>C, p.Leu212Pro (NM_001354304.2); short protein forms L212P.
Identifiers: ClinVar variation 102768 (VCV000102768.9), dbSNP rs62517198, ClinGen allele CA229668.